The following is an entry in ClinVar:

ClinVar aggregate classification (germline): Conflicting classifications of pathogenicity. Review status: criteria provided, conflicting classifications (1 of 4 stars). 6 submissions from 6 submitters: Uncertain significance (4); Likely benign (2). Last evaluated 2025-12-29.

Conditions:
Cardiovascular phenotype. Identifiers: MedGen CN230736.
Cardiac arrhythmia. Also called: Arrhythmia; Cardiac rhythm disease. Identifiers: MedGen C0003811, MONDO:0007263, HP:0011675.
Long QT syndrome 2 (LQT2). Identifiers: Orphanet 101016, Orphanet 768, MedGen C3150943, MONDO:0013367, OMIM 613688.
Short QT syndrome type 1. Identifiers: Orphanet 51083, MedGen C1865020, MONDO:0012312, OMIM 609620.
Long QT syndrome (LQTS). Identifiers: MedGen C0023976, MeSH D008133, MONDO:0002442. Disease mechanism: loss of function. Inheritance: Various modes of inheritance.

Allele frequency attached by ClinVar (database versions not stated): gnomAD 0.00003; gnomAD exomes 0.00004 and 0.00001; TOPMed 0.00005; ExAC 0.00003.
gnomAD v4.1: 14 of 1,602,996 alleles (0.00087%); highest among the groups gnomAD compares: African/African-American, 0.0095%; no homozygotes.

Submissions (6):

Labcorp Genetics (formerly Invitae), Labcorp
Classification: Uncertain significance for Long QT syndrome. Last evaluated: 2025-12-29. Review status: criteria provided, single submitter. Criteria: Invitae Variant Classification Sherloc (09022015). Collection method: clinical testing. Allele origin: germline.
Comment: This sequence change replaces threonine, which is neutral and polar, with alanine, which is neutral and non-polar, at codon 1083 of the KCNH2 protein (p.Thr1083Ala). This variant is present in population databases (rs751559990, gnomAD 0.03%). This variant has not been reported in the literature in individuals affected with KCNH2-related conditions. ClinVar contains an entry for this variant (Variation ID: 200529). An algorithm developed to predict the effect of missense changes on protein structure and function (PolyPhen-2) suggests that this variant is likely to be tolerated. In summary, the available evidence is currently insufficient to determine the role of this variant in disease. Therefore, it has been classified as a Variant of Uncertain Significance.

Ambry Genetics
Classification: Likely benign for Cardiovascular phenotype. Last evaluated: 2025-06-24. Review status: criteria provided, single submitter. Criteria: Ambry Variant Classification Scheme 2023. Collection method: clinical testing. Allele origin: germline.

Color Diagnostics, LLC DBA Color Health
Classification: Uncertain significance for Cardiac arrhythmia. Last evaluated: 2023-12-05. Review status: criteria provided, single submitter. Criteria: ACMG Guidelines, 2015. Collection method: clinical testing. Allele origin: germline.
Comment: Variant of Uncertain Significance due to insufficient evidence: This missense variant is located in the cytoplasmic domain of the KCNH2 protein. Computational prediction tools and conservation analyses suggest that this variant may not impact the protein function. Computational splicing tools suggest that this variant may not impact RNA splicing. To our knowledge, functional assays have not been performed for this variant nor has this variant been reported in individuals affected with cardiovascular disorders in the literature. This variant has been identified in 8/242348 chromosomes in the general population by the Genome Aggregation Database (gnomAD). Available evidence is insufficient to determine the pathogenicity of this variant conclusively.

Fulgent Genetics
Classification: Uncertain significance for Short QT syndrome type 1; Long QT syndrome 2. Last evaluated: 2021-09-20. Review status: criteria provided, single submitter. Criteria: ACMG Guidelines, 2015. Collection method: clinical testing. Allele origin: unknown.

Blueprint Genetics
Classification: Likely benign. Last evaluated: 2021-04-29. Review status: criteria provided, single submitter. Criteria: ACMG Guidelines, 2015. Collection method: clinical testing. Allele origin: germline.

GeneDx
Classification: Uncertain significance. Last evaluated: 2014-04-15. Review status: criteria provided, single submitter. Criteria: GeneDx Variant Classification (06012015). Collection method: clinical testing. Allele origin: germline. Affected: yes.
Comment: p.Thr1083Ala (ACC>GCC): c.3247 A>G in exon 14 of the KCNH2 gene (NM_000283.2). A variant of unknown significance has been identified in the KCNH2 gene. The T1083A variant has not been published as a mutation or as a benign polymorphism to our knowledge. The T1083A variant was not observed in approximately 6,500 individuals of European and African American ancestry in the NHLBI Exome Sequencing Project, indicating it is not a common benign variant in these populations. The T1083A variant is a non-conservative amino acid substitution, which is likely to impact secondary protein structure as these residues differ in polarity, charge, size and/or other properties. Missense mutations in nearby residues (Y1078C, P1093L) have been reported in association with LQTS, supporting the functional importance of this region of the protein. However, this substitution occurs at a position that is not conserved across species and in silico analysis predicts this variant likely does not alter the protein structure/function. Therefore, based on the currently available information, it is unclear whether this variant is a pathogenic mutation or a rare benign variant. The variant is found in ARRHYTHMIA panel(s).

NM_000238.4(KCNH2):c.3247A>G (p.Thr1083Ala)

Gene: KCNH2 (potassium voltage-gated channel subfamily H member 2; minus strand). Cytogenetic location: 7q36.1.
Variant type: single nucleotide variant.
Coding change: c.3247A>G on transcript NM_000238.4 (MANE Select); coding-DNA position 3247, A replaced by G.
Protein change: p.Thr1083Ala; replaces threonine 1083 with alanine.
Molecular consequence: missense variant. On other transcripts: non-coding transcript variant (2).
Genome position (GRCh38, 1-based): chr7:150,946,960, T>C on the plus strand (A>G on the coding strand, the complement: KCNH2 is on the minus strand). VCF-style: chr7-150946960-T-C. GRCh37 (hg19) VCF-style: chr7-150644048-T-C.
Other names: p.T1083A:ACC>GCC; c.2959A>G, p.Thr987Ala (NM_001406753.1); c.2227A>G, p.Thr743Ala (NM_172057.3); short protein forms T1083A, T743A, T987A.
Identifiers: ClinVar variation 200529 (VCV000200529.22), dbSNP rs751559990, ClinGen allele CA008140.